The following is an entry in ClinVar:

NM_001372106.1(DNAH10):c.9591C>T (p.Ser3197=)

Gene: DNAH10 (dynein axonemal heavy chain 10; plus strand). Cytogenetic location: 12q24.31.
Variant type: single nucleotide variant.
Coding change: c.9591C>T on transcript NM_001372106.1 (MANE Select); coding-DNA position 9591, C replaced by T.
Protein change: p.Ser3197=; no amino-acid change (serine 3197 retained).
Molecular consequence: synonymous variant.
Genome position (GRCh38, 1-based): chr12:123,898,765, C>T. VCF-style: chr12-123898765-C-T. GRCh37 (hg19) VCF-style: chr12-124383312-C-T.
Other names: c.9237C>T, p.Ser3079= (NM_207437.3).
Identifiers: ClinVar variation 781982 (VCV000781982.28), dbSNP rs200729045, ClinGen allele CA6865107.
Genomic context (GRCh38, chr12:123,898,765, plus strand): 5'-CCAGCTGGACGAGCTGAACCAGAAGCTGGCCGAGCAGAAGATCGTGCTGGCGGAGAAGTC[C>T]GCCGCCTGCGAGGCCTTGCTGGAGGAGATCGCCGTCAACACCGCTGTAGGTGAGTGAGGG-3'
Protein context (NP_001359035.1, residues 3187-3207): AEQKIVLAEK[Ser3197=]AACEALLEEI

ClinVar aggregate classification (germline): Benign/Likely benign. Review status: criteria provided, multiple submitters, no conflicts (2 of 4 stars). 4 submissions from 4 submitters: Benign (2); Likely benign (1). 1 of the submissions does not count toward it. Last evaluated 2025-02-01.

Conditions:
DNAH10-related disorder. Also called: DNAH10-related condition.

Allele frequency attached by ClinVar (database versions not stated): TOPMed 0.00312; gnomAD 0.00318 and 0.00339; ExAC 0.00364; ESP Exome Variant Server 0.00372; gnomAD exomes 0.00403.
gnomAD v4.1: 6,342 of 1,612,478 alleles (0.39%); highest among the groups gnomAD compares: Non-Finnish European, 0.45%; 28 homozygotes.

Submissions (4):

CeGaT Center for Human Genetics Tuebingen
Classification: Likely benign. Last evaluated: 2025-02-01. Review status: criteria provided, single submitter. Criteria: CeGaT Center For Human Genetics Tuebingen Variant Classification Criteria Version 2. Collection method: clinical testing. Allele origin: germline. Affected: yes. Observed: 5 variant alleles.
Comment: DNAH10: BP4, BP7, BS2

Labcorp Genetics (formerly Invitae), Labcorp
Classification: Benign. Last evaluated: 2019-12-31. Review status: criteria provided, single submitter. Criteria: Invitae Variant Classification Sherloc (09022015). Collection method: clinical testing. Allele origin: germline.

Breakthrough Genomics
Classification: Benign. Review status: criteria provided, single submitter. Criteria: ACMG Guidelines, 2015. Collection method: not provided. Allele origin: germline. Inheritance: Autosomal recessive inheritance. Affected: yes.

PreventionGenetics, part of Exact Sciences
Classification: Likely benign for DNAH10-related condition. Last evaluated: 2024-03-12. Review status: no assertion criteria provided. Collection method: clinical testing. Allele origin: germline. Not counted in ClinVar's aggregate classification.
Comment: This variant is classified as likely benign based on ACMG/AMP sequence variant interpretation guidelines (Richards et al. 2015 PMID: 25741868, with internal and published modifications).